The following is an entry in ClinVar:

NM_002439.5(MSH3):c.1058C>G (p.Ala353Gly)

Gene: MSH3 (mutS homolog 3; plus strand). Cytogenetic location: 5q14.1.
Variant type: single nucleotide variant.
Coding change: c.1058C>G on transcript NM_002439.5 (MANE Select); coding-DNA position 1058, C replaced by G.
Protein change: p.Ala353Gly; replaces alanine 353 with glycine.
Molecular consequence: missense variant.
Genome position (GRCh38, 1-based): chr5:80,675,013, C>G. VCF-style: chr5-80675013-C-G. GRCh37 (hg19) VCF-style: chr5-79970832-C-G.
Other names: short protein forms A353G.
Identifiers: ClinVar variation 1779157 (VCV001779157.3), dbSNP rs2112815954, ClinGen allele CA360267930.
Genomic context (GRCh38, chr5:80,675,013, plus strand): 5'-ATATAATTATTTTTCTTTAATTATTATTAAATGTGAATCCCCTAATCAAGCTGGATGATG[C>G]TGTAAATGTTGATGAGATAATGACTGATACTTCTACCAGCTATCTTCTGTGCATCTCTGA-3'
Protein context (NP_002430.3, residues 343-363): DVNPLIKLDD[Ala353Gly]VNVDEIMTDT

ClinVar aggregate classification (germline): Uncertain significance (1 of 4 stars; one submission).

Conditions:
Hereditary cancer-predisposing syndrome. Also called: Neoplastic Syndromes, Hereditary; Tumor predisposition; Hereditary Cancer Syndrome; Hereditary neoplastic syndrome. Identifiers: Orphanet 140162, MedGen C0027672, MeSH D009386, MONDO:0015356.

Submission:

Ambry Genetics
Classification: Uncertain significance for Hereditary cancer-predisposing syndrome. Last evaluated: 2025-10-02. Review status: criteria provided, single submitter. Criteria: Ambry Variant Classification Scheme 2023. Collection method: clinical testing. Allele origin: germline.
Comment: The p.A353G variant (also known as c.1058C>G), located in coding exon 7 of the MSH3 gene, results from a C to G substitution at nucleotide position 1058. The alanine at codon 353 is replaced by glycine, an amino acid with similar properties. This amino acid position is conserved. In addition, this alteration is predicted to be tolerated by in silico analysis. Since supporting evidence is limited at this time, the clinical significance of this alteration remains unclear.